The following is an entry in ClinVar:

NM_001127.4(AP1B1):c.2524+5G>A

Gene: AP1B1 (adaptor related protein complex 1 subunit beta 1; minus strand). Cytogenetic location: 22q12.2.
Variant type: single nucleotide variant.
Coding change: c.2524+5G>A on transcript NM_001127.4 (MANE Select); 5 bases into the intron after coding-DNA position 2524, G replaced by A.
Molecular consequence: intron variant.
Genome position (GRCh38, 1-based): chr22:29,331,444, C>T on the plus strand (G>A on the coding strand, the complement: AP1B1 is on the minus strand). VCF-style: chr22-29331444-C-T. GRCh37 (hg19) VCF-style: chr22-29727433-C-T.
Other names: c.2332+5G>A (NM_001378565.1); c.2353+5G>A (NM_001378564.1); c.2317+5G>A (NM_001378566.1); c.2443+5G>A (NM_001166019.2); c.2503+5G>A (NM_145730.3, NM_001378563.1); c.2524+5G>A (NM_001378562.1).
Identifiers: ClinVar variation 3056347 (VCV003056347.2), dbSNP rs2517761853, ClinGen allele CA2740094814.
Genomic context (GRCh38, chr22:29,331,444, plus strand): 5'-CCTTGGCCAGGTTCCCAAGCCACAGCCCCATTTCAGGCACCCCAGCGGGCTCCCTCATGA[C>T]TCACCCATCTTCCCGTCCTCCACAAAGAGGATGTGCAGTGGGTACAAGGTGCTGAAGTAG-3'

ClinVar aggregate classification (germline): Likely benign (0 of 4 stars; one submission).

Conditions:
AP1B1-related disorder. Also called: AP1B1-related condition.

Submission:

PreventionGenetics, part of Exact Sciences
Classification: Likely benign for AP1B1-related condition. Last evaluated: 2023-08-02. Review status: no assertion criteria provided. Collection method: clinical testing. Allele origin: germline.
Comment: This variant is classified as likely benign based on ACMG/AMP sequence variant interpretation guidelines (Richards et al. 2015 PMID: 25741868, with internal and published modifications).